The following is an entry in ClinVar:

NM_198525.3(KIF7):c.1322G>T (p.Arg441Leu)

Gene: KIF7 (kinesin family member 7; minus strand). Cytogenetic location: 15q26.1.
Variant type: single nucleotide variant.
Coding change: c.1322G>T on transcript NM_198525.3 (MANE Select); coding-DNA position 1322, G replaced by T.
Protein change: p.Arg441Leu; replaces arginine 441 with leucine.
Molecular consequence: missense variant.
Genome position (GRCh38, 1-based): chr15:89,648,376, C>A on the plus strand (G>T on the coding strand, the complement: KIF7 is on the minus strand). VCF-style: chr15-89648376-C-A. GRCh37 (hg19) VCF-style: chr15-90191607-C-A.
Other names: c.1322G>T (NM_198525.2); short protein forms R441L.
Identifiers: ClinVar variation 2174052 (VCV002174052.3), dbSNP rs1214331197, ClinGen allele CA393771207.
Genomic context (GRCh38, chr15:89,648,376, plus strand): 5'-TCGGGCCCGGAGGCGGAGCTCAGGGCGCTGCGCTCGCCCTCGACGGCGCACAGCCAGTCG[C>A]GCACCTTGCGGGCGGCGGCGCCGGGCAGCCCGGGCTCGGCCTGCAGCTCGCGCAAGAGGC-3'
Protein context (NP_940927.2, residues 431-451): GLPGAAARKV[Arg441Leu]DWLCAVEGER

ClinVar aggregate classification (germline): Uncertain significance. Review status: criteria provided, multiple submitters, no conflicts (2 of 4 stars). 3 submissions from 3 submitters: Uncertain significance (3). Last evaluated 2024-11-12.

Conditions:
Inborn genetic diseases. Identifiers: MedGen C0950123, MeSH D030342.
Acrocallosal syndrome (ACLS). Also called: HALLUX DUPLICATION, POSTAXIAL POLYDACTYLY, AND ABSENCE OF CORPUS CALLOSUM; Schinzel syndrome 1; Absence of corpus callosum with unusual facial appearance, mental deficiency, duplication of the halluces and polydactyly. Identifiers: Orphanet 36, MedGen C0796147, MONDO:0008708, OMIM 200990.

Allele frequency attached by ClinVar (database versions not stated): TOPMed 0.00002; gnomAD 0.00003.
gnomAD v4.1: 28 of 1,219,130 alleles (0.0023%); highest among the groups gnomAD compares: African/African-American, 0.0032%; no homozygotes.

Submissions (3):

Ambry Genetics
Classification: Uncertain significance for Inborn genetic diseases. Last evaluated: 2024-11-12. Review status: criteria provided, single submitter. Criteria: Ambry Variant Classification Scheme 2023. Collection method: clinical testing. Allele origin: germline.

GeneDx
Classification: Uncertain significance. Last evaluated: 2023-09-22. Review status: criteria provided, single submitter. Criteria: GeneDx Variant Classification Process June 2021. Collection method: clinical testing. Allele origin: germline. Affected: yes.
Comment: Not observed at significant frequency in large population cohorts (gnomAD); In silico analysis supports that this missense variant has a deleterious effect on protein structure/function; Has not been previously published as pathogenic or benign to our knowledge

Labcorp Genetics (formerly Invitae), Labcorp
Classification: Uncertain significance for Acrocallosal syndrome. Last evaluated: 2022-07-19. Review status: criteria provided, single submitter. Criteria: Invitae Variant Classification Sherloc (09022015). Collection method: clinical testing. Allele origin: germline.
Comment: This sequence change replaces arginine, which is basic and polar, with leucine, which is neutral and non-polar, at codon 441 of the KIF7 protein (p.Arg441Leu). This variant is not present in population databases (gnomAD no frequency). This variant has not been reported in the literature in individuals affected with KIF7-related conditions. Algorithms developed to predict the effect of missense changes on protein structure and function are either unavailable or do not agree on the potential impact of this missense change (SIFT: "Deleterious"; PolyPhen-2: "Benign"; Align-GVGD: "Class C0"). Algorithms developed to predict the effect of sequence changes on RNA splicing suggest that this variant may disrupt the consensus splice site. In summary, the available evidence is currently insufficient to determine the role of this variant in disease. Therefore, it has been classified as a Variant of Uncertain Significance.